The following is an entry in ClinVar:

GRCh37/hg19 2q35-36.3(chr2:220056891-227164817)x1

Genes: EPHA4 (EPH receptor A4; minus strand), FAM124B (family with sequence similarity 124 member B; minus strand), FARSB (phenylalanyl-tRNA synthetase subunit beta; minus strand), GLB1L (galactosidase beta 1 like; minus strand), SERPINE2 (serpin family E member 2; minus strand) and 33 more. Cytogenetic location: 2q35-36.3.
Variant type: copy number loss.
Change: copy number 1 (one copy instead of two) of chr2:220,056,891-227,164,817 (7.11 Mb, GRCh37 coordinates, 1-based), cytogenetic band 2q35-36.3.
Identifiers: ClinVar variation 1180532 (VCV001180532.4).

ClinVar aggregate classification (germline): Pathogenic (1 of 4 stars; one submission).

Submission:

Illumina Laboratory Services, Illumina
Classification: Pathogenic. Last evaluated: 2019-12-05. Review status: criteria provided, single submitter. Criteria: ICSL CNVClassificationCriteria Jul2020Prior. Collection method: clinical testing. Allele origin: unknown.
Comment: This CNV is a 7.4 Mb deletion of 2q35-q36.3 on chromosome 2, (seq[GRCh37]del(2)(q35q36.3); chr2:g.219743714_227164817del), found in a de novo state. This CNV constitutes a loss encompassing 65 genes, including the PAX3 gene, and overlaps the 2q36 deletion syndrome region. Similar CNV losses have not been reported in controls. Deletions of the interstitial 2q36 are rare, and approximately 15 cases have been described to date in the literature and DECIPHER database with wide phenotypic spectrum (Guan et al. 2019). Haploinsufficiency of PAX3 is known to cause Waardenburg syndrome (WS). Patients with microdeletions that include the PAX3 gene have facial features that are typical of WS, including dystopia canthorum, alae nasi hypoplasia, and wide nasal bridge. Hearing loss and pigmentary abnormalities of the iris, hair, and skin are also common features of WS with variable penetrance, and hearing loss was also found in patients with 2q36 deletions (Guan et al. 2019). Additional clinical features of individuals with 2q36 deletions are variable and include prenatal growth retardation, short stature, developmental delay, intellectual disability, cleft palate, dental abnormalities, hand or toe malformations, vertebral dysplasia, hypoplastic labia, and hypotonia (Freitas et al. 2012; Li et al. 2015; Guan et al. 2019). Based on the collective evidence, this CNV is classified as pathogenic.

Literature cited by the submitters: PubMed 22820457; PubMed 25928000; PubMed 31403828.